The following is an entry in ClinVar:

NM_031433.4(MFRP):c.1078G>T (p.Glu360Ter)

Genes: C1QTNF5 (C1q and TNF related 5; minus strand), MFRP (membrane frizzled-related protein; minus strand). Cytogenetic location: 11q23.3.
Variant type: single nucleotide variant.
Coding change: c.1078G>T on transcript NM_031433.4 (MANE Select); coding-DNA position 1078, G replaced by T.
Protein change: p.Glu360Ter; replaces glutamic acid 360 with a stop codon.
Molecular consequence: nonsense. On other transcripts: 5 prime UTR variant (1).
Genome position (GRCh38, 1-based): chr11:119,343,862, C>A on the plus strand (G>T on the coding strand, the complement: MFRP is on the minus strand). VCF-style: chr11-119343862-C-A. GRCh37 (hg19) VCF-style: chr11-119214572-C-A.
Other names: c.-1559G>T (NM_015645.5); short protein forms E360*.
Identifiers: ClinVar variation 1905353 (VCV001905353.5), dbSNP rs1565294012, ClinGen allele CA382975136.
Genomic context (GRCh38, chr11:119,343,862, plus strand): 5'-CCTGGCTCCTGTACCTGCCCAGGAGGCTGAAGGCCCCTGAGCTGCTGGTCTCATACACCT[C>A]CACGTAGTCAAACTTGCACTCGTCCTGAGCCTCCAGGCTGAAGTTGTGGAACTGTAGTTC-3'

ClinVar aggregate classification (germline): Pathogenic/Likely pathogenic. Review status: criteria provided, multiple submitters, no conflicts (2 of 4 stars). 2 submissions from 2 submitters: Pathogenic (1); Likely pathogenic (1). Last evaluated 2022-08-05.

Conditions:
MFRP-related disorder. Also called: MFRP-related disorders; MFRP-related condition.
Isolated microphthalmia 5. Also called: Posterior Microphthalmia with Retinitis Pigmentosa, Foveoschisis, and Optic Disc Drusen. Identifiers: Orphanet 251279, MedGen C1970236, MONDO:0012605, OMIM 611040.

Allele frequency attached by ClinVar (database versions not stated): gnomAD exomes 0.00001; gnomAD 0.00001; TOPMed 0.00001.
gnomAD v4.1: 10 of 1,613,818 alleles (0.00062%); highest among the groups gnomAD compares: Non-Finnish European, 0.00076%; no homozygotes.

Submissions (2):

Labcorp Genetics (formerly Invitae), Labcorp
Classification: Pathogenic for Isolated microphthalmia 5. Last evaluated: 2022-08-05. Review status: criteria provided, single submitter. Criteria: Invitae Variant Classification Sherloc (09022015). Collection method: clinical testing. Allele origin: germline.
Comment: For these reasons, this variant has been classified as Pathogenic. Algorithms developed to predict the effect of sequence changes on RNA splicing suggest that this variant may disrupt the consensus splice site. This variant has not been reported in the literature in individuals affected with MFRP-related conditions. This variant is not present in population databases (gnomAD no frequency). This sequence change creates a premature translational stop signal (p.Glu360*) in the MFRP gene. It is expected to result in an absent or disrupted protein product. Loss-of-function variants in MFRP are known to be pathogenic (PMID: 12140190, 15976030, 20361016).

Blueprint Genetics
Classification: Likely pathogenic for MFRP-related disorders. Last evaluated: 2022-06-15. Review status: criteria provided, single submitter. Criteria: ACMG Guidelines, 2015. Collection method: clinical testing. Allele origin: germline. Affected: yes. Observed: 2 variant alleles.

Literature cited by the submitters: PubMed 12140190 (cited by Labcorp Genetics (formerly Invitae), Labcorp); PubMed 15976030 (cited by Labcorp Genetics (formerly Invitae), Labcorp); PubMed 20361016 (cited by Labcorp Genetics (formerly Invitae), Labcorp).